The following is an entry in ClinVar:

NM_000334.4(SCN4A):c.5377GAG[1] (p.Glu1794del)

Genes: GH-LCR (growth hormone locus control region; plus strand), SCN4A (sodium voltage-gated channel alpha subunit 4; minus strand). Cytogenetic location: 17q23.3.
Variant type: Microsatellite.
Coding change: c.5377GAG[1] on transcript NM_000334.4 (MANE Select); one copy of the 3-base unit GAG starting at c.5377; the reference has two copies in a row; one copy, 3 bases deleted.
Protein change: p.Glu1794del; deletes glutamic acid 1794.
Molecular consequence: inframe deletion.
Genome position (GRCh38, 1-based): chr17:63,940,900-63,940,902, CTC deleted on the plus strand (GAG on the coding strand, the reverse complement: SCN4A is on the minus strand); deleting any 3 consecutive bases within chr17:63,940,900-63,940,906 gives the same sequence; the position shown is the placement nearest the transcript's 3' end. VCF-style (leftmost placement, unchanged base first): chr17-63940899-TCTC-T. GRCh37 (hg19) VCF-style: chr17-62018259-TCTC-T.
Other names: short protein forms E1794del.
Identifiers: ClinVar variation 1467803 (VCV001467803.8), dbSNP rs1908499632, ClinGen allele CA985438547.

ClinVar aggregate classification (germline): Uncertain significance (1 of 4 stars; one submission).

Conditions:
Hyperkalemic periodic paralysis. Also called: Familial hyperkalemic periodic paralysis; Gamstorp disease. Identifiers: Orphanet 682, MedGen C0238357, MONDO:0008224, OMIM 170500, HP:0007215.

Submission:

Labcorp Genetics (formerly Invitae), Labcorp
Classification: Uncertain significance for Hyperkalemic periodic paralysis. Last evaluated: 2023-06-06. Review status: criteria provided, single submitter. Criteria: Invitae Variant Classification Sherloc (09022015). Collection method: clinical testing. Allele origin: germline.
Comment: In summary, the available evidence is currently insufficient to determine the role of this variant in disease. Therefore, it has been classified as a Variant of Uncertain Significance. Experimental studies and prediction algorithms are not available or were not evaluated, and the functional significance of this variant is currently unknown. This variant has not been reported in the literature in individuals affected with SCN4A-related conditions. This variant is not present in population databases (gnomAD no frequency). This variant, c.5380_5382del, results in the deletion of 1 amino acid(s) of the SCN4A protein (p.Glu1794del), but otherwise preserves the integrity of the reading frame.